The following is an entry in ClinVar:

NC_000001.11:g.237660927C>A

Gene: RYR2 (ryanodine receptor 2; plus strand). Cytogenetic location: 1q43.
Variant type: single nucleotide variant.
Genome position: GRCh38 VCF-style: chr1-237660927-C-A. GRCh37 (hg19) VCF-style: chr1-237824227-C-A.
Other names: c.8416C>A, p.Arg2806Ser (LRG_402t1); c.8416C>A (NM_001035.3).
Identifiers: ClinVar variation 167630 (VCV000167630.12), dbSNP rs727504134, ClinGen allele CA010994.

ClinVar aggregate classification (germline): Uncertain significance. Review status: criteria provided, multiple submitters, no conflicts (2 of 4 stars). 3 submissions from 3 submitters: Uncertain significance (3). Last evaluated 2025-12-11.

Conditions:
Catecholaminergic polymorphic ventricular tachycardia 1. Also called: RYR2-Related Catecholaminergic Polymorphic Ventricular Tachycardia; VENTRICULAR TACHYCARDIA, STRESS-INDUCED POLYMORPHIC 1; VENTRICULAR TACHYCARDIA, CATECHOLAMINERGIC POLYMORPHIC, 1, WITH OR WITHOUT ATRIAL DYSFUNCTION AND/OR DILATED CARDIOMYOPATHY. Identifiers: Orphanet 3286, MedGen C1631597, MONDO:0011484, OMIM 604772.

Allele frequency attached by ClinVar (database versions not stated): TOPMed 0.00001.

Submissions (3):

Women's Health and Genetics/Laboratory Corporation of America, LabCorp
Classification: Uncertain significance. Last evaluated: 2025-12-11. Review status: criteria provided, single submitter. Criteria: LabCorp Variant Classification Summary - May 2015. Collection method: clinical testing. Allele origin: germline.

Labcorp Genetics (formerly Invitae), Labcorp
Classification: Uncertain significance for Catecholaminergic polymorphic ventricular tachycardia 1. Last evaluated: 2022-09-11. Review status: criteria provided, single submitter. Criteria: Invitae Variant Classification Sherloc (09022015). Collection method: clinical testing. Allele origin: germline.
Comment: In summary, the available evidence is currently insufficient to determine the role of this variant in disease. Therefore, it has been classified as a Variant of Uncertain Significance. Advanced modeling of protein sequence and biophysical properties (such as structural, functional, and spatial information, amino acid conservation, physicochemical variation, residue mobility, and thermodynamic stability) performed at Invitae indicates that this missense variant is not expected to disrupt RYR2 protein function. ClinVar contains an entry for this variant (Variation ID: 167630). This variant has not been reported in the literature in individuals affected with RYR2-related conditions. This variant is not present in population databases (gnomAD no frequency). This sequence change replaces arginine, which is basic and polar, with serine, which is neutral and polar, at codon 2806 of the RYR2 protein (p.Arg2806Ser).

Eurofins Ntd Llc (ga)
Classification: Uncertain significance. Last evaluated: 2014-01-02. Review status: criteria provided, single submitter. Criteria: EGL Classification Definitions 2015. Collection method: clinical testing. Allele origin: germline. Observed: 1 variant allele, 1 heterozygote.